The following is an entry in ClinVar:

NM_018129.4(PNPO):c.626A>G (p.Tyr209Cys)

Gene: PNPO (pyridoxamine 5'-phosphate oxidase; plus strand). Cytogenetic location: 17q21.32.
Variant type: single nucleotide variant.
Coding change: c.626A>G on transcript NM_018129.4 (MANE Select); coding-DNA position 626, A replaced by G.
Protein change: p.Tyr209Cys; replaces tyrosine 209 with cysteine.
Molecular consequence: missense variant.
Genome position (GRCh38, 1-based): chr17:47,946,622, A>G. VCF-style: chr17-47946622-A-G. GRCh37 (hg19) VCF-style: chr17-46023988-A-G.
Other names: short protein forms Y209C.
Identifiers: ClinVar variation 588002 (VCV000588002.5), dbSNP rs1567714106, ClinGen allele CA400061984.
Genomic context (GRCh38, chr17:47,946,622, plus strand): 5'-GACCTGGCTAGAAAACTCCACAGAGCACTGAAACCTCTGCTTCTCCTTATAGGGGTGGCT[A>G]TGTCCTGTACCCTCAGGTGATGGAGTTCTGGCAAGGTCAAACCAACCGCCTGCATGACCG-3'
Protein context (NP_060599.1, residues 199-219): EVPKPKSWGG[Tyr209Cys]VLYPQVMEFW

ClinVar aggregate classification (germline): Uncertain significance (1 of 4 stars; one submission).

Conditions:
Inborn genetic diseases. Identifiers: MedGen C0950123, MeSH D030342.

Submission:

Ambry Genetics
Classification: Uncertain significance for Inborn genetic diseases. Last evaluated: 2016-06-13. Review status: criteria provided, single submitter. Criteria: Ambry Variant Classification Scheme 2023. Collection method: clinical testing. Allele origin: germline.
Comment: The p.Y209C variant (also known as c.626A>G), located in coding exon 7 of the PNPO gene, results from an A to G substitution at nucleotide position 626. The tyrosine at codon 209 is replaced by cysteine, an amino acid with highly dissimilar properties. This variant was not reported in population based cohorts in the following databases: Database of Single Nucleotide Polymorphisms (dbSNP), NHLBI Exome Sequencing Project (ESP), and 1000 Genomes Project. In the ESP, this variant was not observed in 6503 samples (13006 alleles) with coverage at this position. This amino acid position is highly conserved in available vertebrate species. In addition, this alteration is predicted to be deleterious by in silico analysis. Since supporting evidence is limited at this time, the clinical significance of this variant remains unclear.